The following is an entry in ClinVar:

NM_182961.4(SYNE1):c.22929G>T (p.Leu7643Phe)

Gene: SYNE1 (spectrin repeat containing nuclear envelope protein 1; minus strand). Cytogenetic location: 6q25.2.
Variant type: single nucleotide variant.
Coding change: c.22929G>T on transcript NM_182961.4 (MANE Select); coding-DNA position 22929, G replaced by T.
Protein change: p.Leu7643Phe; replaces leucine 7643 with phenylalanine.
Molecular consequence: missense variant.
Genome position (GRCh38, 1-based): chr6:152,206,258, C>A on the plus strand (G>T on the coding strand, the complement: SYNE1 is on the minus strand). VCF-style: chr6-152206258-C-A. GRCh37 (hg19) VCF-style: chr6-152527393-C-A.
Other names: c.22716G>T, p.Leu7572Phe (NM_033071.5); short protein forms L7572F, L7643F.
Identifiers: ClinVar variation 1521257 (VCV001521257.6), dbSNP rs764300736, ClinGen allele CA4053749.

ClinVar aggregate classification (germline): Uncertain significance (1 of 4 stars; one submission).

Conditions:
Emery-Dreifuss muscular dystrophy 4, autosomal dominant (EDMD4). Also called: EMERY-DREIFUSS MUSCULAR DYSTROPHY 4 WITH VARIABLE FEATURES. Identifiers: Orphanet 261, MedGen C2751807, MONDO:0013071, OMIM 612998.
Autosomal recessive ataxia, Beauce type. Also called: Spinocerebellar ataxia, autosomal recessive 8; ATAXIA, RECESSIVE, OF BEAUCE; SYNE1 Deficiency; SYNE1-Related Autosomal Recessive Cerebellar Ataxia. Identifiers: Orphanet 88644, MedGen C1853116, MONDO:0012549, OMIM 610743.

Allele frequency attached by ClinVar (database versions not stated): gnomAD 0.00001; ExAC 0.00002; gnomAD exomes 0.00002; TOPMed 0.00002.
gnomAD v4.1: 37 of 1,613,810 alleles (0.0023%); highest among the groups gnomAD compares: Non-Finnish European, 0.003%; no homozygotes.

Submission:

Labcorp Genetics (formerly Invitae), Labcorp
Classification: Uncertain significance for Emery-Dreifuss muscular dystrophy 4, autosomal dominant; Autosomal recessive ataxia, Beauce type. Last evaluated: 2026-01-13. Review status: criteria provided, single submitter. Criteria: Invitae Variant Classification Sherloc (09022015). Collection method: clinical testing. Allele origin: germline.
Comment: This sequence change replaces leucine, which is neutral and non-polar, with phenylalanine, which is neutral and non-polar, at codon 7572 of the SYNE1 protein (p.Leu7572Phe). This variant is present in population databases (rs764300736, gnomAD 0.003%). This variant has not been reported in the literature in individuals affected with SYNE1-related conditions. ClinVar contains an entry for this variant (Variation ID: 1521257). An algorithm developed to predict the effect of missense changes on protein structure and function (PolyPhen-2) suggests that this variant is likely to be disruptive. In summary, the available evidence is currently insufficient to determine the role of this variant in disease. Therefore, it has been classified as a Variant of Uncertain Significance.